The following is an entry in ClinVar:

ClinVar aggregate classification (germline): Uncertain significance (1 of 4 stars; one submission).

Conditions:
Combined immunodeficiency due to ZAP70 deficiency (IMD48). Also called: Immunodeficiency 48; ZAP70 Deficiency. Identifiers: Orphanet 911, MedGen C2931299, MONDO:0010023, OMIM 269840.

Allele frequency attached by ClinVar (database versions not stated): ExAC 0.00007; TOPMed 0.00003; gnomAD exomes 0.00002 and 0.00006; gnomAD 0.00003.
gnomAD v4.1: 40 of 1,613,962 alleles (0.0025%); highest among the groups gnomAD compares: Middle Eastern, 0.049%; 1 homozygote.

Submission:

Labcorp Genetics (formerly Invitae), Labcorp
Classification: Uncertain significance for Combined immunodeficiency due to ZAP70 deficiency. Last evaluated: 2022-07-09. Review status: criteria provided, single submitter. Criteria: Invitae Variant Classification Sherloc (09022015). Collection method: clinical testing. Allele origin: germline.
Comment: This sequence change replaces arginine, which is basic and polar, with glutamine, which is neutral and polar, at codon 472 of the ZAP70 protein (p.Arg472Gln). This variant is present in population databases (rs758807149, gnomAD 0.03%). This variant has not been reported in the literature in individuals affected with ZAP70-related conditions. ClinVar contains an entry for this variant (Variation ID: 538568). Algorithms developed to predict the effect of missense changes on protein structure and function output the following: SIFT: "Not Available"; PolyPhen-2: "Benign"; Align-GVGD: "Not Available". The glutamine amino acid residue is found in multiple mammalian species, which suggests that this missense change does not adversely affect protein function. Algorithms developed to predict the effect of sequence changes on RNA splicing suggest that this variant may create or strengthen a splice site. In summary, the available evidence is currently insufficient to determine the role of this variant in disease. Therefore, it has been classified as a Variant of Uncertain Significance.

NM_001079.4(ZAP70):c.1415G>A (p.Arg472Gln)

Gene: ZAP70 (zeta chain of T cell receptor associated protein kinase 70; plus strand). Cytogenetic location: 2q11.2.
Variant type: single nucleotide variant.
Coding change: c.1415G>A on transcript NM_001079.4 (MANE Select); coding-DNA position 1415, G replaced by A.
Protein change: p.Arg472Gln; replaces arginine 472 with glutamine.
Molecular consequence: missense variant.
Genome position (GRCh38, 1-based): chr2:97,737,598, G>A. VCF-style: chr2-97737598-G-A. GRCh37 (hg19) VCF-style: chr2-98354061-G-A.
Other names: c.1415G>A, p.Arg472Gln (NM_001378594.1); c.494G>A, p.Arg165Gln (NM_207519.2); short protein forms R472Q, R165Q.
Identifiers: ClinVar variation 538568 (VCV000538568.5), dbSNP rs758807149, ClinGen allele CA1790453.